The following is an entry in ClinVar:

ClinVar aggregate classification (germline): Uncertain significance (1 of 4 stars; one submission).

Allele frequency attached by ClinVar (database versions not stated): ExAC 0.00001.

Submission:

Labcorp Genetics (formerly Invitae), Labcorp
Classification: Uncertain significance. Last evaluated: 2022-06-26. Review status: criteria provided, single submitter. Criteria: Invitae Variant Classification Sherloc (09022015). Collection method: clinical testing. Allele origin: germline.
Comment: This sequence change replaces proline, which is neutral and non-polar, with leucine, which is neutral and non-polar, at codon 909 of the NFKB1 protein (p.Pro909Leu). This variant is present in population databases (rs773797721, gnomAD 0.003%). This variant has not been reported in the literature in individuals affected with NFKB1-related conditions. Algorithms developed to predict the effect of missense changes on protein structure and function output the following: SIFT: "Tolerated"; PolyPhen-2: "Benign"; Align-GVGD: "Class C0". The leucine amino acid residue is found in multiple mammalian species, which suggests that this missense change does not adversely affect protein function. In summary, the available evidence is currently insufficient to determine the role of this variant in disease. Therefore, it has been classified as a Variant of Uncertain Significance.

NM_003998.4(NFKB1):c.2726C>T (p.Pro909Leu)

Gene: NFKB1 (nuclear factor kappa B subunit 1; plus strand). Cytogenetic location: 4q24.
Variant type: single nucleotide variant.
Coding change: c.2726C>T on transcript NM_003998.4 (MANE Select); coding-DNA position 2726, C replaced by T.
Protein change: p.Pro909Leu; replaces proline 909 with leucine.
Molecular consequence: missense variant.
Genome position (GRCh38, 1-based): chr4:102,613,558, C>T. VCF-style: chr4-102613558-C-T. GRCh37 (hg19) VCF-style: chr4-103534715-C-T.
Other names: c.2723C>T, p.Pro908Leu (NM_001165412.2, NM_001319226.2, NM_001382627.1); c.2726C>T, p.Pro909Leu (NM_001382625.1, NM_001382626.1); c.2684C>T, p.Pro895Leu (NM_001382628.1); short protein forms P895L, P909L, P908L.
Identifiers: ClinVar variation 2011103 (VCV002011103.4), dbSNP rs773797721, ClinGen allele CA3026507.
Genomic context (GRCh38, chr4:102,613,558, plus strand): 5'-TCCAGGCAGCCTCCAGCCCAGTGAAGACCACCTCTCAGGCCCACTCGCTGCCTCTCTCGC[C>T]TGCCTCCACAAGGCAGCAAATAGGTAAAAAAAAAGACAAAAGACAGTGGAGATATTTTCC-3'
Protein context (NP_003989.2, residues 899-919): TSQAHSLPLS[Pro909Leu]ASTRQQIDEL